The following is an entry in ClinVar:

NM_153240.5(NPHP3):c.2883+13G>C

Genes: NPHP3 (nephrocystin 3; minus strand), NPHP3-ACAD11 (NPHP3-ACAD11 readthrough (NMD candidate); minus strand). Cytogenetic location: 3q22.1.
Variant type: single nucleotide variant.
Coding change: c.2883+13G>C on transcript NM_153240.5 (MANE Select); 13 bases into the intron after coding-DNA position 2883, G replaced by C.
Molecular consequence: intron variant.
Genome position (GRCh38, 1-based): chr3:132,689,061, C>G on the plus strand (G>C on the coding strand, the complement: NPHP3 is on the minus strand). VCF-style: chr3-132689061-C-G. GRCh37 (hg19) VCF-style: chr3-132407905-C-G.
Other names: p.?.
Identifiers: ClinVar variation 262700 (VCV000262700.12), dbSNP rs112375565, ClinGen allele CA2621904.

ClinVar aggregate classification (germline): Benign/Likely benign. Review status: criteria provided, multiple submitters, no conflicts (2 of 4 stars). 6 submissions from 6 submitters: Benign (2); Likely benign (4). Last evaluated 2026-01-20.

Conditions:
Nephronophthisis. Also called: Juvenile Nephronophthisis. Identifiers: Orphanet 655, MedGen C0687120, MONDO:0019005, HP:0000090.

Allele frequency attached by ClinVar (database versions not stated): gnomAD exomes 0.00017 and 0.00031; ExAC 0.00039; ESP Exome Variant Server 0.00108; gnomAD 0.00121 and 0.00122; TOPMed 0.00150; 1000 Genomes Project 30x 0.00250; 1000 Genomes Project 0.00300.
gnomAD v4.1: 485 of 1,614,098 alleles (0.03%); highest among the groups gnomAD compares: African/African-American, 0.48%; 4 homozygotes.

Submissions (6):

Labcorp Genetics (formerly Invitae), Labcorp
Classification: Benign for Nephronophthisis. Last evaluated: 2026-01-20. Review status: criteria provided, single submitter. Criteria: Invitae Variant Classification Sherloc (09022015). Collection method: clinical testing. Allele origin: germline.

Mayo Clinic Laboratories, Mayo Clinic
Classification: Likely benign. Last evaluated: 2025-10-06. Review status: criteria provided, single submitter. Criteria: ACMG Guidelines, 2015. Collection method: clinical testing. Allele origin: germline. Observed: 2 variant alleles.
Comment: BS1, BP4, BP7

Genomic Medicine Center of Excellence, King Faisal Specialist Hospital and Research Centre
Classification: Likely benign. Last evaluated: 2025-08-18. Review status: criteria provided, single submitter. Criteria: ACMG Guidelines, 2015. Collection method: clinical testing. Allele origin: germline.

Blueprint Genetics
Classification: Likely benign. Last evaluated: 2024-10-02. Review status: criteria provided, single submitter. Criteria: ACMG Guidelines, 2015. Collection method: clinical testing. Allele origin: germline.

GeneDx
Classification: Likely benign. Last evaluated: 2017-07-17. Review status: criteria provided, single submitter. Criteria: GeneDx Variant Classification (06012015). Collection method: clinical testing. Allele origin: germline. Affected: yes.
Comment: This variant is considered likely benign or benign based on one or more of the following criteria: it is a conservative change, it occurs at a poorly conserved position in the protein, it is predicted to be benign by multiple in silico algorithms, and/or has population frequency not consistent with disease.

PreventionGenetics, part of Exact Sciences
Classification: Benign. Review status: criteria provided, single submitter. Criteria: ACMG Guidelines, 2015. Collection method: clinical testing. Allele origin: germline.